The following is an entry in ClinVar:

NM_021098.3(CACNA1H):c.5653G>A (p.Ala1885Thr)

Gene: CACNA1H (calcium voltage-gated channel subunit alpha1 H; plus strand). Cytogenetic location: 16p13.3.
Variant type: single nucleotide variant.
Coding change: c.5653G>A on transcript NM_021098.3 (MANE Select); coding-DNA position 5653, G replaced by A.
Protein change: p.Ala1885Thr; replaces alanine 1885 with threonine.
Molecular consequence: missense variant.
Genome position (GRCh38, 1-based): chr16:1,218,417, G>A. VCF-style: chr16-1218417-G-A. GRCh37 (hg19) VCF-style: chr16-1268417-G-A.
Other names: c.5635G>A, p.Ala1879Thr (NM_001005407.2); short protein forms A1885T, A1879T.
Identifiers: ClinVar variation 2933234 (VCV002933234.3), dbSNP rs746160656, ClinGen allele CA7802087.
Genomic context (GRCh38, chr16:1,218,417, plus strand): 5'-GAGAGCAACAAGGAGGCACGGGAGGATGCGGAGCTGGACGCCGAGATCGAGCTGGAGATG[G>A]CGCAGGGCCCCGGGAGTGCACGCCGGGTGGACGCGGACAGGCCTCCCTTGCCCCAGGAGA-3'
Protein context (NP_066921.2, residues 1875-1895): ELDAEIELEM[Ala1885Thr]QGPGSARRVD

ClinVar aggregate classification (germline): Uncertain significance (1 of 4 stars; one submission).

Conditions:
Hyperaldosteronism, familial, type IV (HALD4). Also called: FH IV; ALDOSTERONISM, PRIMARY, AND HYPERTENSION. Identifiers: Orphanet 642671, MedGen C4310756, MONDO:0014875, OMIM 617027.
Idiopathic generalized epilepsy. Also called: EIG; Generalised epilepsy. Identifiers: MedGen C0270850, MONDO:0005579, OMIM 600669.

Allele frequency attached by ClinVar (database versions not stated): gnomAD exomes 0.00001; ExAC 0.00004.
gnomAD v4.1: 13 of 1,554,814 alleles (0.00084%); highest among the groups gnomAD compares: South Asian, 0.012%; 1 homozygote.

Submission:

Labcorp Genetics (formerly Invitae), Labcorp
Classification: Uncertain significance for Idiopathic generalized epilepsy; Hyperaldosteronism, familial, type IV. Last evaluated: 2024-02-19. Review status: criteria provided, single submitter. Criteria: Invitae Variant Classification Sherloc (09022015). Collection method: clinical testing. Allele origin: germline.
Comment: This sequence change replaces alanine, which is neutral and non-polar, with threonine, which is neutral and polar, at codon 1885 of the CACNA1H protein (p.Ala1885Thr). This variant is present in population databases (rs746160656, gnomAD 0.01%). This variant has not been reported in the literature in individuals affected with CACNA1H-related conditions. Advanced modeling of protein sequence and biophysical properties (such as structural, functional, and spatial information, amino acid conservation, physicochemical variation, residue mobility, and thermodynamic stability) performed at Invitae indicates that this missense variant is not expected to disrupt CACNA1H protein function with a negative predictive value of 80%. In summary, the available evidence is currently insufficient to determine the role of this variant in disease. Therefore, it has been classified as a Variant of Uncertain Significance.